The following is an entry in ClinVar:

NM_015978.3(TNNI3K):c.2027A>G (p.Asp676Gly)

Genes: FPGT-TNNI3K (FPGT-TNNI3K readthrough; plus strand), TNNI3K (TNNI3 interacting kinase; plus strand). Cytogenetic location: 1p31.1.
Variant type: single nucleotide variant.
Coding change: c.2027A>G on transcript NM_015978.3 (MANE Select); coding-DNA position 2027, A replaced by G.
Protein change: p.Asp676Gly; replaces aspartic acid 676 with glycine.
Molecular consequence: missense variant.
Genome position (GRCh38, 1-based): chr1:74,463,456, A>G. VCF-style: chr1-74463456-A-G. GRCh37 (hg19) VCF-style: chr1-74929140-A-G.
Other names: c.2330A>G, p.Asp777Gly (NM_001112808.3, NM_001199327.2); short protein forms D777G, D676G.
Identifiers: ClinVar variation 3663500 (VCV003663500.2).

ClinVar aggregate classification (germline): Uncertain significance (1 of 4 stars; one submission).

Submission:

Labcorp Genetics (formerly Invitae), Labcorp
Classification: Uncertain significance. Last evaluated: 2025-02-18. Review status: criteria provided, single submitter. Criteria: Invitae Variant Classification Sherloc (09022015). Collection method: clinical testing. Allele origin: germline.
Comment: This sequence change replaces aspartic acid, which is acidic and polar, with glycine, which is neutral and non-polar, at codon 676 of the TNNI3K protein (p.Asp676Gly). This variant is not present in population databases (gnomAD no frequency). This variant has not been reported in the literature in individuals affected with TNNI3K-related conditions. An algorithm developed to predict the effect of missense changes on protein structure and function (PolyPhen-2) suggests that this variant is likely to be disruptive. In summary, the available evidence is currently insufficient to determine the role of this variant in disease. Therefore, it has been classified as a Variant of Uncertain Significance.